The following is an entry in ClinVar:

NM_001079866.2(BCS1L):c.99dup (p.Lys34fs)

Gene: BCS1L (BCS1 ubiquinol-cytochrome c reductase complex chaperone; plus strand). Cytogenetic location: 2q35.
Variant type: Duplication.
Coding change: c.99dup on transcript NM_001079866.2 (MANE Select); coding-DNA position 99, one base duplicated (G; older notation c.99dupG).
Protein change: p.Lys34fs; shifts the reading frame from lysine 34.
Molecular consequence: frameshift variant. On other transcripts: 5 prime UTR variant (5), non-coding transcript variant (1), intron variant (3).
Genome position (GRCh38, 1-based): chr2:218,661,086, G duplicated; the last of 2 consecutive G bases (chr2:218,661,085-218,661,086); duplicating either gives the same sequence. VCF-style (leftmost placement, unchanged base first): chr2-218661084-C-CG. GRCh37 (hg19) VCF-style: chr2-219525807-C-CG.
Other names: c.99dup, p.Lys34fs (NM_001257342.2, NM_001257343.2, NM_001257344.2 and 10 more transcripts); c.-378dup (NM_001371453.1, NM_001371454.1, NM_001371455.1 and 2 more transcripts); c.-40-320dup (NM_001371451.1, NM_001318836.2); c.-41-673dup (NM_001371452.1); short protein forms K34fs.
Identifiers: ClinVar variation 4815345 (VCV004815345.1).
Genomic context (GRCh38, chr2:218,661,084, plus strand): 5'-AATCCCTACTTTGGGGCTGGATTTGGGCTGGTGGGTGTGGGCACAGCCCTGGCCCTGGCC[C>CG]GGAAGGGTGTCCAACTGGGCCTGGTGGCATTCCGGCGCCATTACATGATCACACTGGAAG-3'

ClinVar aggregate classification (germline): Likely pathogenic (1 of 4 stars; one submission).

Conditions:
GRACILE syndrome (FLNMS). Also called: FELLMAN SYNDROME; FINNISH LETHAL NEONATAL METABOLIC SYNDROME. Identifiers: Orphanet 53693, MedGen C1864002, MONDO:0011308, OMIM 603358.

Submission:

Natera, Inc.
Classification: Likely pathogenic for GRACILE syndrome. Last evaluated: 2024-10-16. Review status: criteria provided, single submitter. Criteria: Natera Variant Classification Schema (03/2026). Collection method: clinical testing. Allele origin: germline.
Comment: The c.99dup variant in BCS1L is a frameshift variant predicted to shift the reading frame beginning at codon 34 and leads to a stop codon 32 codons downstream. This variant is expected to result in nonsense mediated decay, truncation, or a dysfunctional protein product. This variant is rare in the general population with a frequency below the threshold expected for the associated phenotype(s). Given the available evidence, this variant is classified as Likely Pathogenic.